The following is an entry in ClinVar:

ClinVar aggregate classification (germline): Pathogenic/Likely pathogenic. Review status: criteria provided, multiple submitters, no conflicts (2 of 4 stars). 2 submissions from 2 submitters: Pathogenic (1); Likely pathogenic (1). Last evaluated 2020-12-14.

Conditions:
Cardiovascular phenotype. Identifiers: MedGen CN230736.
Hereditary cancer-predisposing syndrome. Also called: Neoplastic Syndromes, Hereditary; Hereditary Cancer Syndrome; Tumor predisposition; Hereditary neoplastic syndrome. Identifiers: Orphanet 140162, MedGen C0027672, MeSH D009386, MONDO:0015356.

Submissions (2):

Ambry Genetics
Classification: Pathogenic for Cardiovascular phenotype; Hereditary cancer-predisposing syndrome. Last evaluated: 2020-12-14. Review status: criteria provided, single submitter. Criteria: Ambry Variant Classification Scheme 2023. Collection method: clinical testing. Allele origin: germline.
Comment: The c.5184dupA pathogenic mutation, located in coding exon 36 of the NF1 gene, results from a duplication of A at nucleotide position 5184, causing a translational frameshift with a predicted alternate stop codon (p.D1729Rfs*7). This alteration is expected to result in loss of function by premature protein truncation or nonsense-mediated mRNA decay. As such, this alteration is interpreted as a disease-causing mutation.

GeneDx
Classification: Likely pathogenic. Last evaluated: 2018-02-21. Review status: criteria provided, single submitter. Criteria: GeneDx Variant Classification (06012015). Collection method: clinical testing. Allele origin: germline. Affected: yes.
Comment: The c.5184dupA variant in the NF1 gene has not been published as a pathogenic variant, nor has it been reported as a benign variant to our knowledge. This duplication causes a frameshift starting with codon Aspartic Acid 1729, changes this amino acid to an Arinine residue and creates a premature Stop codon at position 7 of the new reading frame, denoted p.Asp1729ArgfsX7. This variant is predicted to cause loss of normal protein function either through protein truncation or nonsense-mediated mRNA decay. The c.5184dupA variant is not observed in large population cohorts. Based on currently available evidence, we consider c.5184dupA to be a likely pathogenic variant.

NM_001042492.3(NF1):c.5247dup (p.Asp1750fs)

Gene: NF1 (neurofibromin 1; plus strand). Cytogenetic location: 17q11.2.
Variant type: Duplication.
Coding change: c.5247dup on transcript NM_001042492.3 (MANE Select); coding-DNA position 5247, one base duplicated (A; older notation c.5247dupA).
Protein change: p.Asp1750fs; shifts the reading frame from aspartic acid 1750.
Molecular consequence: frameshift variant.
Genome position (GRCh38, 1-based): chr17:31,326,231, A duplicated; the last of 3 consecutive A bases (chr17:31,326,229-31,326,231); duplicating any one gives the same sequence. VCF-style (leftmost placement, unchanged base first): chr17-31326228-C-CA. GRCh37 (hg19) VCF-style: chr17-29653246-C-CA.
Other names: c.5184dup, p.Asp1729Argfs (NM_000267.4); c.5184dupA (NM_000267.3); short protein forms D1729fs, D1750fs.
Identifiers: ClinVar variation 504401 (VCV000504401.4), dbSNP rs1555533409, ClinGen allele CA645596481.